The following is an entry in ClinVar:

ClinVar aggregate classification (germline): Uncertain significance (1 of 4 stars; one submission).

Conditions:
Dilated cardiomyopathy 1J (CMD1J). Also called: CARDIOMYOPATHY, DILATED, WITH SENSORINEURAL HEARING LOSS, AUTOSOMAL DOMINANT. Identifiers: Orphanet 217622, MedGen C1854368, MONDO:0011541, OMIM 605362.

Submission:

Labcorp Genetics (formerly Invitae), Labcorp
Classification: Uncertain significance for Dilated cardiomyopathy 1J. Last evaluated: 2025-02-05. Review status: criteria provided, single submitter. Criteria: Invitae Variant Classification Sherloc (09022015). Collection method: clinical testing. Allele origin: germline.
Comment: This sequence change replaces methionine, which is neutral and non-polar, with leucine, which is neutral and non-polar, at codon 412 of the EYA4 protein (p.Met412Leu). This variant is not present in population databases (gnomAD no frequency). This variant has not been reported in the literature in individuals affected with EYA4-related conditions. ClinVar contains an entry for this variant (Variation ID: 566398). Invitae Evidence Modeling of protein sequence and biophysical properties (such as structural, functional, and spatial information, amino acid conservation, physicochemical variation, residue mobility, and thermodynamic stability) indicates that this missense variant is not expected to disrupt EYA4 protein function with a negative predictive value of 80%. In summary, the available evidence is currently insufficient to determine the role of this variant in disease. Therefore, it has been classified as a Variant of Uncertain Significance.

NM_004100.5(EYA4):c.1234A>T (p.Met412Leu)

Genes: TARID (TCF21 antisense RNA inducing promoter demethylation; minus strand), EYA4 (EYA transcriptional coactivator and phosphatase 4; plus strand), LOC126859796 (MED14-independent group 3 enhancer GRCh37_chr6:133826289-133827488; plus strand). Cytogenetic location: 6q23.2.
Variant type: single nucleotide variant.
Coding change: c.1234A>T on transcript NM_004100.5 (MANE Select); coding-DNA position 1234, A replaced by T.
Protein change: p.Met412Leu; replaces methionine 412 with leucine.
Molecular consequence: missense variant. On other transcripts: non-coding transcript variant (1).
Genome position (GRCh38, 1-based): chr6:133,506,148, A>T. VCF-style: chr6-133506148-A-T. GRCh37 (hg19) VCF-style: chr6-133827286-A-T.
Other names: c.1090A>T, p.Met364Leu (NM_001370459.1); c.1165A>T, p.Met389Leu (NM_172103.4, NM_001370458.1); c.1234A>T, p.Met412Leu (NM_172105.4); c.1072A>T, p.Met358Leu (NM_001301012.2); c.1252A>T, p.Met418Leu (NM_001301013.2); short protein forms M412L, M358L, M364L, M418L, M389L.
Identifiers: ClinVar variation 566398 (VCV000566398.11), dbSNP rs1562498166, ClinGen allele CA365713552.